The following is an entry in ClinVar:

NM_000257.4(MYH7):c.3939G>T (p.Glu1313Asp)

Gene: MYH7 (myosin heavy chain 7; minus strand). Cytogenetic location: 14q11.2.
Variant type: single nucleotide variant.
Coding change: c.3939G>T on transcript NM_000257.4 (MANE Select); coding-DNA position 3939, G replaced by T.
Protein change: p.Glu1313Asp; replaces glutamic acid 1313 with aspartic acid.
Molecular consequence: missense variant.
Genome position (GRCh38, 1-based): chr14:23,419,210, C>A on the plus strand (G>T on the coding strand, the complement: MYH7 is on the minus strand). VCF-style: chr14-23419210-C-A. GRCh37 (hg19) VCF-style: chr14-23888419-C-A.
Other names: c.3939G>T, p.Glu1313Asp (NM_001407004.1); short protein forms E1313D.
Identifiers: ClinVar variation 3632810 (VCV003632810.2).
Genomic context (GRCh38, chr14:23,419,210, plus strand): 5'-GCCAGGTGGCCCGAGTCTAGCCCTTACCTTAACCTCCTCCTCCAGCTGCCTCTTGAGGTC[C>A]TCCAGCTGCTGGGTGTAGGTGAGCTTGCCTCGGGTCAGCTGGGAGATCAGTGCCTCCTTC-3'
Protein context (NP_000248.2, residues 1303-1323): RGKLTYTQQL[Glu1313Asp]DLKRQLEEEV

ClinVar aggregate classification (germline): Uncertain significance (1 of 4 stars; one submission).

Conditions:
Hypertrophic cardiomyopathy. Also called: HYPERTROPHIC MYOCARDIOPATHY. Identifiers: Orphanet 217569, MedGen C0007194, MeSH D002312, MONDO:0005045, HP:0001639.

Submission:

Labcorp Genetics (formerly Invitae), Labcorp
Classification: Uncertain significance for Hypertrophic cardiomyopathy. Last evaluated: 2024-01-31. Review status: criteria provided, single submitter. Criteria: Invitae Variant Classification Sherloc (09022015). Collection method: clinical testing. Allele origin: germline.
Comment: This sequence change replaces glutamic acid, which is acidic and polar, with aspartic acid, which is acidic and polar, at codon 1313 of the MYH7 protein (p.Glu1313Asp). This variant is not present in population databases (gnomAD no frequency). This variant has not been reported in the literature in individuals affected with MYH7-related conditions. Advanced modeling of protein sequence and biophysical properties (such as structural, functional, and spatial information, amino acid conservation, physicochemical variation, residue mobility, and thermodynamic stability) has been performed at Invitae for this missense variant, however the output from this modeling did not meet the statistical confidence thresholds required to predict the impact of this variant on MYH7 protein function. In summary, the available evidence is currently insufficient to determine the role of this variant in disease. Therefore, it has been classified as a Variant of Uncertain Significance.